The following is an entry in ClinVar:

NM_016263.4(FZR1):c.703G>A (p.Val235Met)

Gene: FZR1 (fizzy and cell division cycle 20 related 1; plus strand). Cytogenetic location: 19p13.3.
Variant type: single nucleotide variant.
Coding change: c.703G>A on transcript NM_016263.4 (MANE Select); coding-DNA position 703, G replaced by A.
Protein change: p.Val235Met; replaces valine 235 with methionine.
Molecular consequence: missense variant.
Genome position (GRCh38, 1-based): chr19:3,530,840, G>A. VCF-style: chr19-3530840-G-A. GRCh37 (hg19) VCF-style: chr19-3530838-G-A.
Other names: c.436G>A, p.Val146Met (NM_001136197.1); c.703G>A, p.Val235Met (NM_001136198.1); short protein forms V146M, V235M.
Identifiers: ClinVar variation 4853331 (VCV004853331.1).

ClinVar aggregate classification (germline): Uncertain significance (1 of 4 stars; one submission).

gnomAD v4.1: 2 of 1,612,788 alleles (0.00012%); highest among the groups gnomAD compares: Non-Finnish European, 0.00017%; no homozygotes.

Submission:

Women's Health and Genetics/Laboratory Corporation of America, LabCorp
Classification: Uncertain significance. Last evaluated: 2026-05-11. Review status: criteria provided, single submitter. Criteria: LabCorp Variant Classification Summary - May 2015. Collection method: clinical testing. Allele origin: germline.
Comment: Variant summary: FZR1 c.703G>A (p.Val235Met) results in a conservative amino acid change in the encoded protein sequence. Algorithms developed to predict the effect of missense changes on protein structure and function are either unavailable or do not agree on the potential impact of this missense change. The variant was absent in 248732 control chromosomes. The available data on variant occurrences in the general population are insufficient to allow any conclusion about variant significance. To our knowledge, no occurrence of c.703G>A in individuals affected with FZR1-related conditions and no experimental evidence demonstrating its impact on protein function have been reported. No submitters have cited clinical-significance assessments for this variant to ClinVar. Based on the evidence outlined above, the variant was classified as uncertain significance.